The following is an entry in ClinVar:

NM_005475.3(SH2B3):c.213C>A (p.Phe71Leu)

Gene: SH2B3 (SH2B adaptor protein 3; plus strand). Cytogenetic location: 12q24.12.
Variant type: single nucleotide variant.
Coding change: c.213C>A on transcript NM_005475.3 (MANE Select); coding-DNA position 213, C replaced by A.
Protein change: p.Phe71Leu; replaces phenylalanine 71 with leucine.
Molecular consequence: missense variant.
Genome position (GRCh38, 1-based): chr12:111,418,358, C>A. VCF-style: chr12-111418358-C-A. GRCh37 (hg19) VCF-style: chr12-111856162-C-A.
Other names: short protein forms F71L.
Identifiers: ClinVar variation 4630684 (VCV004630684.1).

ClinVar aggregate classification (germline): Uncertain significance (1 of 4 stars; one submission).

Conditions:
Inborn genetic diseases. Identifiers: MedGen C0950123, MeSH D030342.

gnomAD v4.1: 1 of 1,521,554 alleles (0.000066%); highest among the groups gnomAD compares: South Asian, 0.0012%; no homozygotes.

Submission:

Ambry Genetics
Classification: Uncertain significance for Inborn genetic diseases. Last evaluated: 2025-09-18. Review status: criteria provided, single submitter. Criteria: Ambry Variant Classification Scheme 2023. Collection method: clinical testing. Allele origin: germline.
Comment: The p.F71L variant (also known as c.213C>A), located in coding exon 1 of the SH2B3 gene, results from a C to A substitution at nucleotide position 213. The phenylalanine at codon 71 is replaced by leucine, an amino acid with highly similar properties. This amino acid position is conserved. In addition, the in silico prediction for this alteration is inconclusive. Based on the available evidence, the clinical significance of this variant remains unclear.